The following continues an entry in ClinVar:

NM_022124.6(CDH23):c.7823G>A (p.Arg2608His)

Gene: CDH23. ClinVar aggregate classification (germline): Conflicting classifications of pathogenicity. Likely pathogenic (3); Uncertain significance (12); Likely benign (2).

Submissions 13 to 20 of 20:

Genome-Nilou Lab
Classification: Uncertain significance for Usher syndrome type 1D. Last evaluated: 2021-07-14. Review status: criteria provided, single submitter. Criteria: ACMG Guidelines, 2015. Collection method: clinical testing. Allele origin: germline. Affected: no.

Ocular Genomics Institute, Massachusetts Eye and Ear
Classification: Uncertain significance for Usher syndrome type 1D. Last evaluated: 2021-04-08. Review status: criteria provided, single submitter. Criteria: ACMG Guidelines, 2015. Collection method: research. Allele origin: germline. Affected: yes.
Comment: Through a review of available evidence we were able to apply the following criteria: PM2, PP3. Based on this evidence we have classified this variant as Variant of Uncertian Significance.

GeneDx
Classification: Likely benign. Last evaluated: 2021-03-05. Review status: criteria provided, single submitter. Criteria: GeneDx Variant Classification Process June 2021. Collection method: clinical testing. Allele origin: germline. Affected: yes.
Comment: This variant is associated with the following publications: (PMID: 16963483, 21940737, 12786748, 28847902, 27018795, 12075507, 19683999, 21174530, 26969326, 30459346, 33576794)

Mendelics
Classification: Uncertain significance for Retinitis pigmentosa-deafness syndrome. Last evaluated: 2019-05-28. Review status: criteria provided, single submitter. Criteria: Mendelics Assertion Criteria 2017. Collection method: clinical testing. Allele origin: unknown.

Eurofins Ntd Llc (ga)
Classification: Uncertain significance. Last evaluated: 2016-05-10. Review status: criteria provided, single submitter. Criteria: EGL Classification Definitions 2015. Collection method: clinical testing. Allele origin: germline. Observed: 2 variant alleles, 2 heterozygotes.

Department of Genetics, Rouen University Hospital, Normandy Center for Genomic and Personalized Medicine
Classification: Uncertain significance for Neurodevelopmental abnormality. Last evaluated: 2020-04-03. Review status: no assertion criteria provided. Collection method: clinical testing. Allele origin: paternal. Affected: yes. Not counted in ClinVar's aggregate classification.

Clinical Genetics DNA and cytogenetics Diagnostics Lab, Erasmus MC, Erasmus Medical Center
Classification: Uncertain significance. Review status: no assertion criteria provided. Collection method: clinical testing. Allele origin: germline. Affected: yes. Study: VKGL Data-share Consensus. Not counted in ClinVar's aggregate classification.

Joint Genome Diagnostic Labs from Nijmegen and Maastricht, Radboudumc and MUMC+
Classification: Uncertain significance. Review status: no assertion criteria provided. Collection method: clinical testing. Allele origin: germline. Affected: yes. Study: VKGL Data-share Consensus. Not counted in ClinVar's aggregate classification.

Literature cited by the submitters: PubMed 12075507 (cited by 5 submitters); PubMed 19683999 (cited by 4 submitters); PubMed 27018795 (cited by 3 submitters); PubMed 26969326 (cited by 5 submitters); PubMed 30459346 (cited by Women's Health and Genetics/Laboratory Corporation of America, LabCorp and UAEU Genomics Laboratory, United Arab Emirates University); PubMed 33576794 (cited by 3 submitters); PubMed 34948090 (cited by Women's Health and Genetics/Laboratory Corporation of America, LabCorp); PubMed 36460718 (cited by Women's Health and Genetics/Laboratory Corporation of America, LabCorp and Institute of Human Genetics, Univ. Regensburg, Univ. Regensburg); PubMed 24444108 (cited by Women's Health and Genetics/Laboratory Corporation of America, LabCorp); PubMed 34906470 (cited by Women's Health and Genetics/Laboratory Corporation of America, LabCorp); PubMed 34426522 (cited by Institute of Human Genetics, Univ. Regensburg, Univ. Regensburg); PubMed 16963483 (cited by Laboratory for Molecular Medicine, Mass General Brigham Personalized Medicine and Ocular Genomics Institute, Massachusetts Eye and Ear); PubMed 21174530 (cited by Laboratory for Molecular Medicine, Mass General Brigham Personalized Medicine and Ocular Genomics Institute, Massachusetts Eye and Ear); PubMed 30033219 (cited by UAEU Genomics Laboratory, United Arab Emirates University).